The following is an entry in ClinVar:

ClinVar aggregate classification (germline): Uncertain significance (1 of 4 stars; one submission).

Submission:

Women's Health and Genetics/Laboratory Corporation of America, LabCorp
Classification: Uncertain significance. Last evaluated: 2023-09-06. Review status: criteria provided, single submitter. Criteria: LabCorp Variant Classification Summary - May 2015. Collection method: clinical testing. Allele origin: germline.
Comment: Variant summary: The variant identified by MLPA or other technology involves the deletion of exon 47, the last exon in the ATR gene. The exact breakpoint at the 3' end of this variant is unknown, and therefore this deletion might extend downstream of the assayed region of the gene. A presumed nomenclature of c.(7761+1_7762-1)_(*195_?)del has been designated for the purposes of this classification. Although exact breakpoints of this deletion are not known, it is not expected to cause nonsense mediated decay (NMD), but is predicted to cause a truncation of the encoded protein involving the FATC domain and part of the phosphatidylinositol 3-/4-kinase, catalytic domain. The variant was absent in 21694 control chromosomes (gnomAD, structural variants datset). To our knowledge, no occurrence of c.(7761+1_7762-1)_(*195_?)del in individuals affected with Hereditary Breast And Ovarian Cancer Syndrome or other ATR-related conditions and no experimental evidence demonstrating its impact on protein function have been reported. No variants within exon 47 have been classified as pathogenic in ClinVar. However, at least two truncating variants within exon 47 have been reported in the literaure, one in an individual with triple negative breast cancer (Ma_2021) and another in an individual with ovarian cancer (Yang_2022), which may indicate functional importance for the deleted protein region. The following publications have been ascertained in the context of this evaluation (PMID: 36451132, 33151324). No submitters have cited clinical-significance assessments for this variant to ClinVar after 2014. Based on the evidence outlined above, the variant was classified as VUS-possibly pathogenic.

Literature cited by the submitters: PubMed 36451132; PubMed 33151324.

NC_000003.11:g.(?_142168076)_(142168445_142171969)del

Gene: ATR (ATR serine/threonine kinase; minus strand). Cytogenetic location: 3q23.
Variant type: Deletion.
Identifiers: ClinVar variation 2627123 (VCV002627123.1).